The following is an entry in ClinVar:

ClinVar aggregate classification (germline): Uncertain significance. Review status: criteria provided, multiple submitters, no conflicts (2 of 4 stars). 2 submissions from 2 submitters: Uncertain significance (2). Last evaluated 2025-06-10.

Conditions:
Congenital contractural arachnodactyly (CCA). Also called: Beals-Hecht syndrome; BEALS SYNDROME; Arthrogryposis, distal, type 9. Identifiers: Orphanet 115, MedGen C0220668, MONDO:0007363, OMIM 121050.

gnomAD v4.1: 13 of 1,614,010 alleles (0.00081%); highest among the groups gnomAD compares: Non-Finnish European, 0.0011%; no homozygotes.

Submissions (2):

GeneDx
Classification: Uncertain significance. Last evaluated: 2025-06-10. Review status: criteria provided, single submitter. Criteria: GeneDx Variant Classification Process June 2021. Collection method: clinical testing. Allele origin: germline. Affected: yes.
Comment: Not observed at significant frequency in large population cohorts (gnomAD); In silico analysis supports that this missense variant has a deleterious effect on protein structure/function; Has not been previously published as pathogenic or benign to our knowledge; Although located in a calcium-binding EGF-like domain of the FBN2 gene, it does not substitute or introduce a cysteine residue (PMID: 19006240, 18767143); This variant is associated with the following publications: (PMID: 19006240, 18767143)

Labcorp Genetics (formerly Invitae), Labcorp
Classification: Uncertain significance for Congenital contractural arachnodactyly. Last evaluated: 2023-10-20. Review status: criteria provided, single submitter. Criteria: Invitae Variant Classification Sherloc (09022015). Collection method: clinical testing. Allele origin: germline.
Comment: This sequence change replaces arginine, which is basic and polar, with threonine, which is neutral and polar, at codon 302 of the FBN2 protein (p.Arg302Thr). This variant is not present in population databases (gnomAD no frequency). This variant has not been reported in the literature in individuals affected with FBN2-related conditions. ClinVar contains an entry for this variant (Variation ID: 213435). Advanced modeling of protein sequence and biophysical properties (such as structural, functional, and spatial information, amino acid conservation, physicochemical variation, residue mobility, and thermodynamic stability) performed at Invitae indicates that this missense variant is not expected to disrupt FBN2 protein function. In summary, the available evidence is currently insufficient to determine the role of this variant in disease. Therefore, it has been classified as a Variant of Uncertain Significance.

NM_001999.4(FBN2):c.905G>C (p.Arg302Thr)

Gene: FBN2 (fibrillin 2; minus strand). Cytogenetic location: 5q23.3.
Variant type: single nucleotide variant.
Coding change: c.905G>C on transcript NM_001999.4 (MANE Select); coding-DNA position 905, G replaced by C.
Protein change: p.Arg302Thr; replaces arginine 302 with threonine.
Molecular consequence: missense variant.
Genome position (GRCh38, 1-based): chr5:128,446,528, C>G on the plus strand (G>C on the coding strand, the complement: FBN2 is on the minus strand). VCF-style: chr5-128446528-C-G. GRCh37 (hg19) VCF-style: chr5-127782221-C-G.
Other names: short protein forms R302T.
Identifiers: ClinVar variation 213435 (VCV000213435.7), dbSNP rs863223616, ClinGen allele CA323785.